The following is an entry in ClinVar:

ClinVar aggregate classification (germline): Conflicting classifications of pathogenicity. Review status: criteria provided, conflicting classifications (1 of 4 stars). 4 submissions from 4 submitters: Uncertain significance (3); Likely benign (1). Last evaluated 2026-01-11.

Conditions:
Autosomal recessive severe congenital neutropenia due to CSF3R deficiency. Also called: Neutropenia, severe congenital, 7, autosomal recessive. Identifiers: Orphanet 420702, MedGen C4310764, MONDO:0014865, OMIM 617014.
Inborn genetic diseases. Identifiers: MedGen C0950123, MeSH D030342.

Allele frequency attached by ClinVar (database versions not stated): gnomAD exomes 0.00003 and 0.00006; ExAC 0.00007; ESP Exome Variant Server 0.00015; 1000 Genomes Project 30x 0.00016; 1000 Genomes Project 0.00020; gnomAD 0.00025 and 0.00026; TOPMed 0.00036.
gnomAD v4.1: 83 of 1,613,912 alleles (0.0051%); highest among the groups gnomAD compares: African/African-American, 0.097%; no homozygotes.

Submissions (4):

Labcorp Genetics (formerly Invitae), Labcorp
Classification: Uncertain significance for Autosomal recessive severe congenital neutropenia due to CSF3R deficiency. Last evaluated: 2026-01-11. Review status: criteria provided, single submitter. Criteria: Invitae Variant Classification Sherloc (09022015). Collection method: clinical testing. Allele origin: germline.
Comment: This sequence change replaces histidine, which is basic and polar, with arginine, which is basic and polar, at codon 91 of the CSF3R protein (p.His91Arg). This variant is present in population databases (rs148307285, gnomAD 0.08%). This variant has not been reported in the literature in individuals affected with CSF3R-related conditions. ClinVar contains an entry for this variant (Variation ID: 434843). Invitae Evidence Modeling of protein sequence and biophysical properties (such as structural, functional, and spatial information, amino acid conservation, physicochemical variation, residue mobility, and thermodynamic stability) indicates that this missense variant is not expected to disrupt CSF3R protein function with a negative predictive value of 80%. In summary, the available evidence is currently insufficient to determine the role of this variant in disease. Therefore, it has been classified as a Variant of Uncertain Significance.

Mendelics
Classification: Likely benign. Last evaluated: 2022-05-04. Review status: criteria provided, single submitter. Criteria: Mendelics Assertion Criteria 2019. Collection method: clinical testing. Allele origin: germline.

Ambry Genetics
Classification: Uncertain significance for Inborn genetic diseases. Last evaluated: 2021-08-09. Review status: criteria provided, single submitter. Criteria: Ambry Variant Classification Scheme 2023. Collection method: clinical testing. Allele origin: germline.

Genetic Services Laboratory, University of Chicago
Classification: Uncertain significance. Last evaluated: 2015-11-18. Review status: criteria provided, single submitter. Criteria: ACMG Guidelines, 2015. Collection method: clinical testing. Allele origin: germline. Affected: no.

NM_000760.4(CSF3R):c.272A>G (p.His91Arg)

Gene: CSF3R (colony stimulating factor 3 receptor; minus strand). Cytogenetic location: 1p34.3.
Variant type: single nucleotide variant.
Coding change: c.272A>G on transcript NM_000760.4 (MANE Select); coding-DNA position 272, A replaced by G.
Protein change: p.His91Arg; replaces histidine 91 with arginine.
Molecular consequence: missense variant.
Genome position (GRCh38, 1-based): chr1:36,475,466, T>C on the plus strand (A>G on the coding strand, the complement: CSF3R is on the minus strand). VCF-style: chr1-36475466-T-C. GRCh37 (hg19) VCF-style: chr1-36941067-T-C.
Other names: c.272A>G, p.His91Arg (NM_156039.3, NM_172313.3, LRG_144t1); short protein forms H91R.
Identifiers: ClinVar variation 434843 (VCV000434843.16), dbSNP rs148307285, ClinGen allele CA769524.